The following is an entry in ClinVar:

ClinVar aggregate classification (germline): Uncertain significance (1 of 4 stars; one submission).

Conditions:
Hereditary cancer-predisposing syndrome. Also called: Tumor predisposition; Hereditary Cancer Syndrome; Neoplastic Syndromes, Hereditary; Hereditary neoplastic syndrome. Identifiers: Orphanet 140162, MedGen C0027672, MeSH D009386, MONDO:0015356.

Submission:

Color Diagnostics, LLC DBA Color Health
Classification: Uncertain significance for Hereditary cancer-predisposing syndrome. Last evaluated: 2021-05-18. Review status: criteria provided, single submitter. Criteria: ACMG Guidelines, 2015. Collection method: clinical testing. Allele origin: germline.
Comment: This variant causes an in-frame deletion of one amino acid, arginine 629, in the BRCA1 protein. To our knowledge, functional studies have not been reported for this variant. This variant has not been reported in individuals affected with hereditary cancer in the literature. This variant has not been identified in the general population by the Genome Aggregation Database (gnomAD). The available evidence is insufficient to determine the role of this variant in disease conclusively. Therefore, this variant is classified as a Variant of Uncertain Significance.

NM_007294.4(BRCA1):c.1886_1888del (p.Arg629del)

Gene: BRCA1 (BRCA1 DNA repair associated; minus strand). Cytogenetic location: 17q21.31.
Variant type: Deletion.
Coding change: c.1886_1888del on transcript NM_007294.4 (MANE Select); coding-DNA positions 1886 to 1888, 3 bases deleted (GAA; older notation c.1886_1888delGAA).
Protein change: p.Arg629del; deletes arginine 629.
Molecular consequence: inframe deletion. On other transcripts: inframe indel (1), intron variant (137).
Genome position (GRCh38, 1-based): chr17:43,093,643-43,093,645, TTC deleted on the plus strand (GAA on the coding strand, the reverse complement: BRCA1 is on the minus strand); deleting any 3 consecutive bases within chr17:43,093,643-43,093,646 gives the same sequence; the c. name uses the placement nearest the transcript's 3' end. VCF-style (leftmost placement, unchanged base first): chr17-43093642-TTTC-T. GRCh37 (hg19) VCF-style: chr17-41245659-TTTC-T.
Other names: c.1877_1879del, p.Arg626del (NM_001407647.1, NM_001407646.1); c.1763_1765del, p.Arg588del (NM_001407648.1, NM_001407668.1, NM_001407669.1 and 19 more transcripts); c.1760_1762del, p.Arg587del (NM_001407649.1, NM_001407670.1, NM_001407671.1 and 11 more transcripts); c.1886_1888del, p.Arg629del (NM_001407652.1, NM_007300.4, NM_001407581.1 and 30 more transcripts); c.1808_1810del, p.Arg603del (NM_001407653.1, NM_001407654.1, NM_001407655.1 and 4 more transcripts); c.1805_1807del, p.Arg602del (NM_001407662.1, NM_001407660.1, NM_001407661.1 and 1 more transcripts); c.1676_1678del, p.Arg559del (NM_001407882.1, NM_001407884.1, NM_001407885.1 and 13 more transcripts); c.1673_1675del, p.Arg558del (NM_001407894.1, NM_001407895.1, NM_001407896.1 and 9 more transcripts); and 41 more; short protein forms R582del, R629del, R461del, R501del, R561del, R562del, R603del, R626del.
Identifiers: ClinVar variation 1332587 (VCV001332587.3), dbSNP rs2154413723, ClinGen allele CA2573054443.
Genomic context (GRCh38, chr17:43,093,642, plus strand): 5'-ATCTCTTCACTGCTAGAACAACTATCAATTTGCAATTCAGTACAATTAGGTGGGCTTAGA[TTTC>T]TACTGACTACTAGTTCAAGCGCATGAATATGCCTGGTAGAAGACTTCCTCCTCAGCCTAT-3'